The following is an entry in ClinVar:

NM_004006.3(DMD):c.2695G>T (p.Glu899Ter)

Gene: DMD (dystrophin; minus strand). Cytogenetic location: Xp21.1.
Variant type: single nucleotide variant.
Coding change: c.2695G>T on transcript NM_004006.3 (MANE Select); coding-DNA position 2695, G replaced by T.
Protein change: p.Glu899Ter; replaces glutamic acid 899 with a stop codon.
Molecular consequence: nonsense.
Genome position (GRCh38, 1-based): chrX:32,485,027, C>A on the plus strand (G>T on the coding strand, the complement: DMD is on the minus strand). VCF-style: chrX-32485027-C-A. GRCh37 (hg19) VCF-style: chrX-32503144-C-A.
Other names: c.2671G>T, p.Glu891Ter (NM_000109.4); c.2683G>T, p.Glu895Ter (NM_004009.3); c.2326G>T, p.Glu776Ter (NM_004010.3); short protein forms E776*, E891*, E895*, E899*.
Identifiers: ClinVar variation 1073002 (VCV001073002.10), dbSNP rs2148583804, ClinGen allele CA412670879.

ClinVar aggregate classification (germline): Pathogenic (1 of 4 stars; one submission).

Conditions:
Duchenne muscular dystrophy (DMD). Also called: MUSCULAR DYSTROPHY, PSEUDOHYPERTROPHIC PROGRESSIVE, DUCHENNE TYPE; Duchenne Muscular Dystrophy (DMD). Identifiers: Orphanet 98896, MedGen C0013264, MONDO:0010679, OMIM 310200.

Submission:

Labcorp Genetics (formerly Invitae), Labcorp
Classification: Pathogenic for Duchenne muscular dystrophy. Last evaluated: 2018-04-16. Review status: criteria provided, single submitter. Criteria: Invitae Variant Classification Sherloc (09022015). Collection method: clinical testing. Allele origin: germline.
Comment: For these reasons, this variant has been classified as Pathogenic. Loss-of-function variants in DMD are known to be pathogenic (PMID: 16770791, 25007885). This variant has been reported in an individual affected with Duchenne muscular dystrophy (PMID: 28318817). This variant is not present in population databases (ExAC no frequency). This sequence change creates a premature translational stop signal (p.Glu899*) in the DMD gene. It is expected to result in an absent or disrupted protein product.

Literature cited by the submitters: PubMed 16770791; PubMed 25007885; PubMed 28318817.